The following is an entry in ClinVar:

ClinVar aggregate classification (germline): Uncertain significance (1 of 4 stars; one submission).

Conditions:
Hereditary cancer-predisposing syndrome. Also called: Tumor predisposition; Hereditary Cancer Syndrome; Hereditary neoplastic syndrome; Neoplastic Syndromes, Hereditary. Identifiers: Orphanet 140162, MedGen C0027672, MeSH D009386, MONDO:0015356.

Submission:

Ambry Genetics
Classification: Uncertain significance for Hereditary cancer-predisposing syndrome. Last evaluated: 2024-05-02. Review status: criteria provided, single submitter. Criteria: Ambry Variant Classification Scheme 2023. Collection method: clinical testing. Allele origin: germline.
Comment: The p.S1279T variant (also known as c.3836G>C), located in coding exon 9 of the MSH6 gene, results from a G to C substitution at nucleotide position 3836. The serine at codon 1279 is replaced by threonine, an amino acid with similar properties. This amino acid position is conserved. In addition, the in silico prediction for this alteration is inconclusive. Based on the available evidence, the clinical significance of this variant remains unclear.

NM_000179.3(MSH6):c.3836G>C (p.Ser1279Thr)

Gene: MSH6 (mutS homolog 6; plus strand). Cytogenetic location: 2p16.3.
Variant type: single nucleotide variant.
Coding change: c.3836G>C on transcript NM_000179.3 (MANE Select); coding-DNA position 3836, G replaced by C.
Protein change: p.Ser1279Thr; replaces serine 1279 with threonine.
Molecular consequence: missense variant. On other transcripts: non-coding transcript variant (5), intron variant (1).
Genome position (GRCh38, 1-based): chr2:47,806,486, G>C. VCF-style: chr2-47806486-G-C. GRCh37 (hg19) VCF-style: chr2-48033625-G-C.
Other names: c.3446G>C, p.Ser1149Thr (NM_001281492.2); c.2930G>C, p.Ser977Thr (NM_001281493.2, NM_001281494.2, NM_001406811.1 and 6 more transcripts); c.3932G>C, p.Ser1311Thr (NM_001406795.1); c.3836G>C, p.Ser1279Thr (NM_001406796.1, NM_001406808.1, NM_001406809.1); c.3539G>C, p.Ser1180Thr (NM_001406797.1, NM_001406801.1, NM_001406805.1 and 10 more transcripts); c.3662G>C, p.Ser1221Thr (NM_001406798.1); c.3311G>C, p.Ser1104Thr (NM_001406799.1, NM_001406806.1, NM_001406807.1); c.3823G>C, p.Ala1275Pro (NM_001406800.1); and 9 more; short protein forms A1275P, S1221T, S1223T, S594T, S757T, S1149T, S1253T, S1279T.
Identifiers: ClinVar variation 3296392 (VCV003296392.1).